The following is an entry in ClinVar:

ClinVar aggregate classification (germline): Likely pathogenic. Review status: criteria provided, single submitter (1 of 4 stars). 2 submissions from 2 submitters: Likely pathogenic (1). 1 of the submissions does not count toward it. Last evaluated 2024-02-16.

Conditions:
Junctional epidermolysis bullosa gravis of Herlitz. Also called: Herlitz-type junctional epidermolysis bullosa; EPIDERMOLYSIS BULLOSA, JUNCTIONAL 1B, SEVERE; Epidermolysis Bullosa Letalis; EPIDERMOLYSIS BULLOSA JUNCTIONALIS, HERLITZ TYPE; EPIDERMOLYSIS BULLOSA, JUNCTIONAL, HERLITZ-PEARSON TYPE; JEB-HERLITZ TYPE. Identifiers: Orphanet 79404, MedGen C0079683, MONDO:0009182, OMIM 226700.

Submissions (2):

Labcorp Genetics (formerly Invitae), Labcorp
Classification: Likely pathogenic. Last evaluated: 2024-02-16. Review status: criteria provided, single submitter. Criteria: Invitae Variant Classification Sherloc (09022015). Collection method: clinical testing. Allele origin: germline.
Comment: This sequence change affects a donor splice site in intron 13 of the LAMC2 gene. It is expected to disrupt RNA splicing. Variants that disrupt the donor or acceptor splice site typically lead to a loss of protein function (PMID: 16199547), and loss-of-function variants in LAMC2 are known to be pathogenic (PMID: 11907499, 16473856). This variant is not present in population databases (gnomAD no frequency). This variant has not been reported in the literature in individuals affected with LAMC2-related conditions. ClinVar contains an entry for this variant (Variation ID: 550275). Algorithms developed to predict the effect of sequence changes on RNA splicing suggest that this variant may disrupt the consensus splice site. In summary, the currently available evidence indicates that the variant is pathogenic, but additional data are needed to prove that conclusively. Therefore, this variant has been classified as Likely Pathogenic.

Counsyl
Classification: Likely pathogenic for Junctional epidermolysis bullosa gravis of Herlitz. Last evaluated: 2016-12-27. Review status: no assertion criteria provided. Collection method: clinical testing. Allele origin: unknown. Not counted in ClinVar's aggregate classification.

Literature cited by the submitters: PubMed 16199547 (cited by Labcorp Genetics (formerly Invitae), Labcorp); PubMed 11907499 (cited by Labcorp Genetics (formerly Invitae), Labcorp); PubMed 16473856 (cited by Labcorp Genetics (formerly Invitae), Labcorp).

NM_005562.3(LAMC2):c.2014+1G>A

Gene: LAMC2 (laminin subunit gamma 2; plus strand). Cytogenetic location: 1q25.3.
Variant type: single nucleotide variant.
Coding change: c.2014+1G>A on transcript NM_005562.3 (MANE Select); the canonical splice donor site of the intron after coding-DNA position 2014, G replaced by A.
Molecular consequence: splice donor variant.
Genome position (GRCh38, 1-based): chr1:183,232,344, G>A. VCF-style: chr1-183232344-G-A. GRCh37 (hg19) VCF-style: chr1-183201479-G-A.
Other names: c.2014+1G>A (NM_018891.3).
Identifiers: ClinVar variation 550275 (VCV000550275.4), dbSNP rs1553267007, ClinGen allele CA343691968.